The following is an entry in ClinVar:

ClinVar aggregate classification (germline): Uncertain significance (1 of 4 stars; one submission).

Conditions:
Hereditary sensory and autonomic neuropathy type 7. Also called: Neuropathy, hereditary sensory and autonomic, type VII; HSAN VII. Identifiers: Orphanet 391397, MedGen C3809882, MONDO:0014244, OMIM 615548.
Familial episodic pain syndrome with predominantly lower limb involvement. Also called: Episodic pain syndrome, familial, 3. Identifiers: Orphanet 391384, Orphanet 391392, MedGen C3809899, MONDO:0014247, OMIM 615552.

Allele frequency attached by ClinVar (database versions not stated): gnomAD exomes below 0.00001 and 0.00001; ExAC 0.00001; gnomAD 0.00001.

Submission:

Labcorp Genetics (formerly Invitae), Labcorp
Classification: Uncertain significance for Familial episodic pain syndrome with predominantly lower limb involvement; Hereditary sensory and autonomic neuropathy type 7. Last evaluated: 2020-04-30. Review status: criteria provided, single submitter. Criteria: Invitae Variant Classification Sherloc (09022015). Collection method: clinical testing. Allele origin: germline.
Comment: In summary, the available evidence is currently insufficient to determine the role of this variant in disease. Therefore, it has been classified as a Variant of Uncertain Significance. Nucleotide substitutions within the consensus splice site are a relatively common cause of aberrant splicing (PMID: 17576681, 9536098). Algorithms developed to predict the effect of sequence changes on RNA splicing suggest that this variant is not likely to affect RNA splicing, but this prediction has not been confirmed by published transcriptional studies. This variant has not been reported in the literature in individuals with SCN11A-related conditions. The frequency data for this variant in the population databases is considered unreliable, as metrics indicate poor data quality at this position in the ExAC database. This sequence change falls in intron 8 of the SCN11A gene. It does not directly change the encoded amino acid sequence of the SCN11A protein, but it affects a nucleotide within the consensus splice site of the intron.

Literature cited by the submitters: PubMed 17576681; PubMed 9536098.

NM_001349253.2(SCN11A):c.1101+6C>G

Gene: SCN11A (sodium voltage-gated channel alpha subunit 11; minus strand). Cytogenetic location: 3p22.2.
Variant type: single nucleotide variant.
Coding change: c.1101+6C>G on transcript NM_001349253.2 (MANE Select); 6 bases into the intron after coding-DNA position 1101, C replaced by G.
Molecular consequence: intron variant.
Genome position (GRCh38, 1-based): chr3:38,910,060, G>C on the plus strand (C>G on the coding strand, the complement: SCN11A is on the minus strand). VCF-style: chr3-38910060-G-C. GRCh37 (hg19) VCF-style: chr3-38951551-G-C.
Other names: c.1101+6C>G (NM_014139.3).
Identifiers: ClinVar variation 1016702 (VCV001016702.5), dbSNP rs773392447, ClinGen allele CA2322408.